The following is an entry in ClinVar:

NM_000075.4(CDK4):c.423G>C (p.Leu141=)

Gene: CDK4 (cyclin dependent kinase 4; minus strand). Cytogenetic location: 12q14.1.
Variant type: single nucleotide variant.
Coding change: c.423G>C on transcript NM_000075.4 (MANE Select); coding-DNA position 423, G replaced by C.
Protein change: p.Leu141=; no amino-acid change (leucine 141 retained).
Molecular consequence: synonymous variant.
Genome position (GRCh38, 1-based): chr12:57,751,022, C>G on the plus strand (G>C on the coding strand, the complement: CDK4 is on the minus strand). VCF-style: chr12-57751022-C-G. GRCh37 (hg19) VCF-style: chr12-58144805-C-G.
Other names: c.423G>C (LRG_490t1).
Identifiers: ClinVar variation 514152 (VCV000514152.15), dbSNP rs760242081, ClinGen allele CA480404509.
Genomic context (GRCh38, chr12:57,751,022, plus strand): 5'-CAGGCCAAAGTCAGCCAGCTTGACTGTTCCACCACTTGTCACCAGAATGTTCTCTGGCTT[C>G]AGATCTCGGTGAACGATGCAATTGGCATGAAGGAAATCTAGGCCTCTTAGAAACTGGCGC-3'
Protein context (NP_000066.1, residues 131-151): LHANCIVHRD[Leu141=]KPENILVTSG

ClinVar aggregate classification (germline): Benign/Likely benign. Review status: criteria provided, multiple submitters, no conflicts (2 of 4 stars). 4 submissions from 4 submitters: Benign (1); Likely benign (3). Last evaluated 2025-07-21.

Conditions:
Familial melanoma. Also called: Hereditary melanoma; Hereditary cutaneous melanoma. Identifiers: Orphanet 618, MedGen C1512419, MONDO:0018961.
Hereditary cancer-predisposing syndrome. Also called: Hereditary Cancer Syndrome; Neoplastic Syndromes, Hereditary; Tumor predisposition; Hereditary neoplastic syndrome. Identifiers: Orphanet 140162, MedGen C0027672, MeSH D009386, MONDO:0015356.
Melanoma, cutaneous malignant, susceptibility to, 3. Also called: Cutaneous malignant melanoma 3. Identifiers: Orphanet 618, MedGen C1836892, MONDO:0012183, OMIM 609048.

Allele frequency attached by ClinVar (database versions not stated): gnomAD 0.00003.

Submissions (4):

Labcorp Genetics (formerly Invitae), Labcorp
Classification: Likely benign for Familial melanoma. Last evaluated: 2025-07-21. Review status: criteria provided, single submitter. Criteria: Invitae Variant Classification Sherloc (09022015). Collection method: clinical testing. Allele origin: germline.

Myriad Genetics, Inc.
Classification: Benign for Melanoma, cutaneous malignant, susceptibility to, 3. Last evaluated: 2024-09-25. Review status: criteria provided, single submitter. Criteria: Myriad Autosomal Dominant, Autosomal Recessive and X-Linked Classification Criteria (2023). Collection method: clinical testing. Allele origin: unknown.
Comment: This variant is considered benign. This variant is a silent/synonymous amino acid change and it is not expected to impact splicing.

GeneDx
Classification: Likely benign. Last evaluated: 2021-05-07. Review status: criteria provided, single submitter. Criteria: GeneDx Variant Classification Process June 2021. Collection method: clinical testing. Allele origin: germline. Affected: yes.

Ambry Genetics
Classification: Likely benign for Hereditary cancer-predisposing syndrome. Last evaluated: 2020-11-23. Review status: criteria provided, single submitter. Criteria: Ambry Variant Classification Scheme 2023. Collection method: clinical testing. Allele origin: germline.